The following is an entry in ClinVar:

ClinVar aggregate classification (germline): Conflicting classifications of pathogenicity. Review status: criteria provided, conflicting classifications (1 of 4 stars). 2 submissions from 2 submitters: Likely pathogenic (1); Uncertain significance (1). Last evaluated 2024-10-29.

Conditions:
Hypertrophic cardiomyopathy. Also called: HYPERTROPHIC MYOCARDIOPATHY. Identifiers: Orphanet 217569, MedGen C0007194, MeSH D002312, MONDO:0005045, HP:0001639.
Cardiovascular phenotype. Identifiers: MedGen CN230736.

Submissions (2):

Ambry Genetics
Classification: Uncertain significance for Cardiovascular phenotype. Last evaluated: 2024-10-29. Review status: criteria provided, single submitter. Criteria: Ambry Variant Classification Scheme 2023. Collection method: clinical testing. Allele origin: germline.
Comment: The c.293-1G>C intronic variant results from a G to C substitution one nucleotide before coding exon 3 of the MYBPC3 gene. Alterations that disrupt the canonical splice site are expected to result in aberrant splicing. In silico splice site analysis predicts that this alteration will weaken the native splice acceptor site and will result in the creation or strengthening of a novel splice acceptor site. The resulting transcript is predicted to be in-frame and is not expected to trigger nonsense-mediated mRNAdecay; however, direct evidence is unavailable. The exact functional effect of the altered amino acid sequence is unknown. This nucleotide position is highly conserved in available vertebrate species. Based on the available evidence, the clinical significance of this variant remains unclear.

Labcorp Genetics (formerly Invitae), Labcorp
Classification: Likely pathogenic for Hypertrophic cardiomyopathy. Last evaluated: 2023-05-22. Review status: criteria provided, single submitter. Criteria: Invitae Variant Classification Sherloc (09022015). Collection method: clinical testing. Allele origin: germline.
Comment: This sequence change affects an acceptor splice site in intron 2 of the MYBPC3 gene. It is expected to disrupt RNA splicing. Variants that disrupt the donor or acceptor splice site typically lead to a loss of protein function (PMID: 16199547), and loss-of-function variants in MYBPC3 are known to be pathogenic (PMID: 19574547). In summary, the currently available evidence indicates that the variant is pathogenic, but additional data are needed to prove that conclusively. Therefore, this variant has been classified as Likely Pathogenic. Algorithms developed to predict the effect of sequence changes on RNA splicing suggest that this variant may disrupt the consensus splice site. This variant has not been reported in the literature in individuals affected with MYBPC3-related conditions. This variant is not present in population databases (gnomAD no frequency).

Literature cited by the submitters: PubMed 16199547 (cited by Labcorp Genetics (formerly Invitae), Labcorp); PubMed 19574547 (cited by Labcorp Genetics (formerly Invitae), Labcorp).

NM_000256.3(MYBPC3):c.293-1G>C

Gene: MYBPC3 (myosin binding protein C3; minus strand). Cytogenetic location: 11p11.2.
Variant type: single nucleotide variant.
Coding change: c.293-1G>C on transcript NM_000256.3 (MANE Select); the canonical splice acceptor site of the intron before coding-DNA position 293, G replaced by C.
Molecular consequence: splice acceptor variant.
Genome position (GRCh38, 1-based): chr11:47,350,616, C>G on the plus strand (G>C on the coding strand, the complement: MYBPC3 is on the minus strand). VCF-style: chr11-47350616-C-G. GRCh37 (hg19) VCF-style: chr11-47372167-C-G.
Identifiers: ClinVar variation 2866875 (VCV002866875.4), dbSNP rs2495783972, ClinGen allele CA380341253.